The following is an entry in ClinVar:

ClinVar aggregate classification (germline): Uncertain significance (1 of 4 stars; one submission).

Allele frequency attached by ClinVar (database versions not stated): TOPMed below 0.00001.

Submission:

Labcorp Genetics (formerly Invitae), Labcorp
Classification: Uncertain significance. Last evaluated: 2021-11-25. Review status: criteria provided, single submitter. Criteria: Invitae Variant Classification Sherloc (09022015). Collection method: clinical testing. Allele origin: germline.
Comment: This sequence change replaces glycine, which is neutral and non-polar, with aspartic acid, which is acidic and polar, at codon 1736 of the TRIOBP protein (p.Gly1736Asp). In summary, the available evidence is currently insufficient to determine the role of this variant in disease. Therefore, it has been classified as a Variant of Uncertain Significance. Algorithms developed to predict the effect of missense changes on protein structure and function are either unavailable or do not agree on the potential impact of this missense change (SIFT: "Deleterious"; PolyPhen-2: "Probably Damaging"; Align-GVGD: "Class C0"). This variant has not been reported in the literature in individuals affected with TRIOBP-related conditions. This variant is not present in population databases (gnomAD no frequency).

NM_001039141.3(TRIOBP):c.5207G>A (p.Gly1736Asp)

Gene: TRIOBP (TRIO and F-actin binding protein; plus strand). Cytogenetic location: 22q13.1.
Variant type: single nucleotide variant.
Coding change: c.5207G>A on transcript NM_001039141.3 (MANE Select); coding-DNA position 5207, G replaced by A.
Protein change: p.Gly1736Asp; replaces glycine 1736 with aspartic acid.
Molecular consequence: missense variant.
Genome position (GRCh38, 1-based): chr22:37,740,917, G>A. VCF-style: chr22-37740917-G-A. GRCh37 (hg19) VCF-style: chr22-38136924-G-A.
Other names: short protein forms G1736D.
Identifiers: ClinVar variation 1382744 (VCV001382744.6), dbSNP rs866458242, ClinGen allele CA411502390.
Genomic context (GRCh38, chr22:37,740,917, plus strand): 5'-AAAGGGACCTGGGGCCAACACTGGACCCTGTTTGACAGGCAGACAAGAGGCCAGCAGAGG[G>A]CAAGGCTGGGAGCCCGCTCAAGGGCCGACTGGTGACCTCATGGCGGATGCCCGGGGACCG-3'
Protein context (NP_001034230.1, residues 1726-1746): ADSADKRPAE[Gly1736Asp]KAGSPLKGRL